The following is an entry in ClinVar:

NM_000094.4(COL7A1):c.6209G>C (p.Gly2070Ala)

Gene: COL7A1 (collagen type VII alpha 1 chain; minus strand). Cytogenetic location: 3p21.31.
Variant type: single nucleotide variant.
Coding change: c.6209G>C on transcript NM_000094.4 (MANE Select); coding-DNA position 6209, G replaced by C.
Protein change: p.Gly2070Ala; replaces glycine 2070 with alanine.
Molecular consequence: missense variant.
Genome position (GRCh38, 1-based): chr3:48,575,214, C>G on the plus strand (G>C on the coding strand, the complement: COL7A1 is on the minus strand). VCF-style: chr3-48575214-C-G. GRCh37 (hg19) VCF-style: chr3-48612647-C-G.
Other names: short protein forms G2070A.
Identifiers: ClinVar variation 3635674 (VCV003635674.2).

ClinVar aggregate classification (germline): Pathogenic (1 of 4 stars; one submission).

Submission:

Labcorp Genetics (formerly Invitae), Labcorp
Classification: Pathogenic. Last evaluated: 2024-09-30. Review status: criteria provided, single submitter. Criteria: Invitae Variant Classification Sherloc (09022015). Collection method: clinical testing. Allele origin: germline.
Comment: This sequence change replaces glycine, which is neutral and non-polar, with alanine, which is neutral and non-polar, at codon 2070 of the COL7A1 protein (p.Gly2070Ala). This variant is not present in population databases (gnomAD no frequency). This missense change has been observed in individual(s) with autosomal dominant epidermolysis bullosa dystrophica (PMID: 21448560). Invitae Evidence Modeling of protein sequence and biophysical properties (such as structural, functional, and spatial information, amino acid conservation, physicochemical variation, residue mobility, and thermodynamic stability) indicates that this missense variant is expected to disrupt COL7A1 protein function with a positive predictive value of 95%. This variant disrupts the triple helix domain of COL7A1. Glycine residues within the Gly-Xaa-Yaa repeats of the triple helix domain are required for the structure and stability of fibrillar collagens (PMID: 7695699, 8218237, 19344236), and variants at these glycine residues in COL7A1 are more frequently observed in individuals with disease than in the general population (PMID: 22058051). However, the clinical significance of this observation remains uncertain since only a limited number of affected individuals have been described to date. This variant disrupts the p.Gly2070 amino acid residue in COL7A1. Other variant(s) that disrupt this residue have been determined to be pathogenic (PMID: 12485454, 21448560, 33921969, 35979658). This suggests that this residue is clinically significant, and that variants that disrupt this residue are likely to be disease-causing. For these reasons, this variant has been classified as Pathogenic.

Literature cited by the submitters: PubMed 21448560; PubMed 7695699; PubMed 8218237; PubMed 19344236; PubMed 22058051; PubMed 12485454; PubMed 33921969; PubMed 35979658.